The following is an entry in ClinVar:

ClinVar aggregate classification (germline): Uncertain significance (1 of 4 stars; one submission).

Conditions:
Atrial septal defect 5 (ASD5). Identifiers: Orphanet 1478, MedGen C2748552, MONDO:0013011, OMIM 612794.
Dilated cardiomyopathy 1R (CMD1R). Identifiers: Orphanet 154, Orphanet 54260, MedGen C3150681, MONDO:0013261, OMIM 613424.
Hypertrophic cardiomyopathy 11. Also called: ACTC1-Related Familial Hypertrophic Cardiomyopathy. Identifiers: MedGen C2677506, MONDO:0012799, OMIM 612098.

Submission:

Labcorp Genetics (formerly Invitae), Labcorp
Classification: Uncertain significance for Dilated cardiomyopathy 1R; Hypertrophic cardiomyopathy 11; Atrial septal defect 5. Last evaluated: 2024-06-01. Review status: criteria provided, single submitter. Criteria: Invitae Variant Classification Sherloc (09022015). Collection method: clinical testing. Allele origin: germline.
Comment: This sequence change replaces threonine, which is neutral and polar, with isoleucine, which is neutral and non-polar, at codon 231 of the ACTC1 protein (p.Thr231Ile). This variant is not present in population databases (gnomAD no frequency). This missense change has been observed in individuals with ACTC1-related conditions (Invitae). ClinVar contains an entry for this variant (Variation ID: 410267). Advanced modeling of protein sequence and biophysical properties (such as structural, functional, and spatial information, amino acid conservation, physicochemical variation, residue mobility, and thermodynamic stability) performed at Invitae indicates that this missense variant is not expected to disrupt ACTC1 protein function with a negative predictive value of 80%. In summary, the available evidence is currently insufficient to determine the role of this variant in disease. Therefore, it has been classified as a Variant of Uncertain Significance.

NM_005159.5(ACTC1):c.692C>T (p.Thr231Ile)

Genes: GJD2-DT (GJD2 divergent transcript; plus strand), ACTC1 (actin alpha cardiac muscle 1; minus strand). Cytogenetic location: 15q14.
Variant type: single nucleotide variant.
Coding change: c.692C>T on transcript NM_005159.5 (MANE Select); coding-DNA position 692, C replaced by T.
Protein change: p.Thr231Ile; replaces threonine 231 with isoleucine.
Molecular consequence: missense variant.
Genome position (GRCh38, 1-based): chr15:34,792,206, G>A on the plus strand (C>T on the coding strand, the complement: ACTC1 is on the minus strand). VCF-style: chr15-34792206-G-A. GRCh37 (hg19) VCF-style: chr15-35084407-G-A.
Other names: c.692C>T (LRG_388t1); short protein forms T231I.
Identifiers: ClinVar variation 410267 (VCV000410267.7), dbSNP rs1060502825, ClinGen allele CA16614447.